The following is an entry in ClinVar:

ClinVar aggregate classification (germline): Uncertain significance (1 of 4 stars; one submission).

Submission:

GeneDx
Classification: Uncertain significance. Last evaluated: 2023-07-11. Review status: criteria provided, single submitter. Criteria: GeneDx Variant Classification Process June 2021. Collection method: clinical testing. Allele origin: germline. Affected: yes.
Comment: Not observed in large population cohorts (gnomAD); Nonsense variant predicted to result in protein truncation or nonsense mediated decay in a gene for which loss-of-function is not a known mechanism of disease; Has not been previously published as pathogenic or benign to our knowledge; Variants in candidate genes are classified as variants of uncertain significance in accordance with ACMG guidelines (Richards et al., 2015)

NM_012308.3(KDM2A):c.613C>T (p.Arg205Ter)

Gene: KDM2A (lysine demethylase 2A; plus strand). Cytogenetic location: 11q13.2.
Variant type: single nucleotide variant.
Coding change: c.613C>T on transcript NM_012308.3 (MANE Select); coding-DNA position 613, C replaced by T.
Protein change: p.Arg205Ter; replaces arginine 205 with a stop codon.
Molecular consequence: nonsense. On other transcripts: non-coding transcript variant (1).
Genome position (GRCh38, 1-based): chr11:67,215,875, C>T. VCF-style: chr11-67215875-C-T. GRCh37 (hg19) VCF-style: chr11-66983346-C-T.
Other names: short protein forms R205*.
Identifiers: ClinVar variation 4528303 (VCV004528303.1).